The following is an entry in ClinVar:

ClinVar aggregate classification (germline): Conflicting classifications of pathogenicity. Review status: criteria provided, conflicting classifications (1 of 4 stars). 3 submissions from 3 submitters: Pathogenic (1); Likely pathogenic (1); Uncertain significance (1). Last evaluated 2026-01-27.

Conditions:
Alport syndrome. Also called: Hemorrhagic familial nephritis; Hemorrhagic hereditary nephritis; Congenital hereditary hematuria. Identifiers: Orphanet 63, MedGen C1567741, MONDO:0018965.
COL4A3-related disorder. Also called: COL4A3-related condition; COL4A3-Related Disorders.

Allele frequency attached by ClinVar (database versions not stated): gnomAD 0.00001; TOPMed 0.00001; ExAC 0.00002; gnomAD exomes 0.00003; ESP Exome Variant Server 0.00008.
gnomAD v4.1: 32 of 1,613,760 alleles (0.002%); highest among the groups gnomAD compares: Non-Finnish European, 0.0025%; no homozygotes.

Submissions (3):

PreventionGenetics, part of Exact Sciences
Classification: Uncertain significance for COL4A3-related condition. Last evaluated: 2026-01-27. Review status: criteria provided, single submitter. Criteria: ACMG Guidelines, 2015. Collection method: clinical testing. Allele origin: germline.
Comment: The COL4A3 c.4982G>A variant is predicted to result in the amino acid substitution p.Arg1661His. This variant was reported in the compound heterozygous state in an individual with Alport syndrome (Zhang et al. 2021. PubMed ID: 33772369). This variant was also observed internally in an individual with clinical features of Alport syndrome by a single submitter in ClinVar (Variation ID: 1500473). An alternate missense change at the same amino acid position (p.Arg1661Cys) has been reported in individuals with autosomal recessive Alport syndrome and in the heterozygous or compound heterozygous state in individuals with focal segmental glomerulosclerosis (Heidet et al. 2001. PubMed ID: 11134255; Storey et al. 2013. PubMed ID: 24052634; Malone et al. 2014. PubMed ID: 25229338; Braunisch et al. 2018. PubMed ID: 29946535). This variant is reported in 0.0054% of alleles in individuals of European (Non-Finnish) descent in gnomAD. Although we suspect that this variant may be pathogenic, at this time, the clinical significance of this variant is uncertain due to the absence of conclusive functional and genetic evidence.

Labcorp Genetics (formerly Invitae), Labcorp
Classification: Pathogenic. Last evaluated: 2026-01-13. Review status: criteria provided, single submitter. Criteria: Invitae Variant Classification Sherloc (09022015). Collection method: clinical testing. Allele origin: germline.
Comment: This sequence change replaces arginine, which is basic and polar, with histidine, which is basic and polar, at codon 1661 of the COL4A3 protein (p.Arg1661His). This variant is present in population databases (rs374158562, gnomAD 0.005%). This missense change has been observed in individuals with clinical features of Alport syndrome (PMID: 33772369; internal data). ClinVar contains an entry for this variant (Variation ID: 1500473). Invitae Evidence Modeling of protein sequence and biophysical properties (such as structural, functional, and spatial information, amino acid conservation, physicochemical variation, residue mobility, and thermodynamic stability) indicates that this missense variant is expected to disrupt COL4A3 protein function with a positive predictive value of 95%. This variant disrupts the p.Arg1661 amino acid residue in COL4A3. Other variant(s) that disrupt this residue have been determined to be pathogenic (PMID: 11134255, 24052634, 26809805; internal data). This suggests that this residue is clinically significant, and that variants that disrupt this residue are likely to be disease-causing. For these reasons, this variant has been classified as Pathogenic.

Natera, Inc.
Classification: Likely pathogenic for Alport syndrome. Last evaluated: 2025-11-18. Review status: criteria provided, single submitter. Criteria: Natera Variant Classification Schema (03/2026). Collection method: clinical testing. Allele origin: germline.
Comment: The c.4982G>A variant in COL4A3 is a missense variant predicted to cause substitution of arginine to histidine at amino acid 1661. This variant is rare in the general population with a frequency below the threshold expected for the associated phenotype(s). This variant has been observed in one or more individuals affected with the associated recessive disease, as either homozygous or compound heterozygous with a second variant (PMID: 33772369). This variant has been identified in one or more affected individuals with a phenotype highly consistent with the associated gene (PMID: 33772369). A different variant at the same position has been determined to be Pathogenic or Likely Pathogenic. Computational prediction algorithms indicate this variant is likely to affect gene or protein function. Given the available evidence, this variant is classified as Likely Pathogenic.

Literature cited by the submitters: PubMed 33772369 (cited by Labcorp Genetics (formerly Invitae), Labcorp and Natera, Inc.); PubMed 11134255 (cited by Labcorp Genetics (formerly Invitae), Labcorp); PubMed 24052634 (cited by Labcorp Genetics (formerly Invitae), Labcorp); PubMed 26809805 (cited by Labcorp Genetics (formerly Invitae), Labcorp).

NM_000091.5(COL4A3):c.4982G>A (p.Arg1661His)

Genes: COL4A3 (collagen type IV alpha 3 chain; plus strand), MFF-DT (MFF divergent transcript; minus strand). Cytogenetic location: 2q36.3.
Variant type: single nucleotide variant.
Coding change: c.4982G>A on transcript NM_000091.5 (MANE Select); coding-DNA position 4982, G replaced by A.
Protein change: p.Arg1661His; replaces arginine 1661 with histidine.
Molecular consequence: missense variant.
Genome position (GRCh38, 1-based): chr2:227,311,839, G>A. VCF-style: chr2-227311839-G-A. GRCh37 (hg19) VCF-style: chr2-228176555-G-A.
Other names: c.4982G>A (NM_000091.4); short protein forms R1661H.
Identifiers: ClinVar variation 1500473 (VCV001500473.8), dbSNP rs374158562, ClinGen allele CA2147700.